The following is an entry in ClinVar:

ClinVar aggregate classification (germline): Conflicting classifications of pathogenicity. Review status: criteria provided, conflicting classifications (1 of 4 stars). 5 submissions from 5 submitters: Uncertain significance (4); Likely benign (1). Last evaluated 2025-12-18.

Conditions:
Usher syndrome type 2C. Also called: USHER SYNDROME, TYPE IIC; Usher syndrome, type 2B. Identifiers: Orphanet 231178, Orphanet 886, MedGen C2931213, MONDO:0011558, OMIM 605472.
Inborn genetic diseases. Identifiers: MedGen C0950123, MeSH D030342.
ADGRV1-related disorder. Also called: ADGRV1-related disorders; ADGRV1-related condition.

Allele frequency attached by ClinVar (database versions not stated): gnomAD exomes 0.00004 and 0.00005; ExAC 0.00005; gnomAD 0.00007 and 0.00015; ESP Exome Variant Server 0.00008; TOPMed 0.00023.
gnomAD v4.1: 99 of 1,613,806 alleles (0.0061%); highest among the groups gnomAD compares: African/African-American, 0.0067%; no homozygotes.

Submissions (5):

PreventionGenetics, part of Exact Sciences
Classification: Uncertain significance for ADGRV1-related condition. Last evaluated: 2025-12-18. Review status: criteria provided, single submitter. Criteria: ACMG Guidelines, 2015. Collection method: clinical testing. Allele origin: germline.
Comment: The ADGRV1 c.15497C>T variant is predicted to result in the amino acid substitution p.Thr5166Met. To our knowledge, this variant has not been reported in the literature. This variant is reported in 0.0083% of alleles in individuals of African descent in gnomAD. At this time, the clinical significance of this variant is uncertain due to the absence of conclusive functional and genetic evidence.

Ambry Genetics
Classification: Uncertain significance for Inborn genetic diseases. Last evaluated: 2025-11-20. Review status: criteria provided, single submitter. Criteria: Ambry Variant Classification Scheme 2023. Collection method: clinical testing. Allele origin: germline.

Labcorp Genetics (formerly Invitae), Labcorp
Classification: Likely benign. Last evaluated: 2025-06-08. Review status: criteria provided, single submitter. Criteria: Invitae Variant Classification Sherloc (09022015). Collection method: clinical testing. Allele origin: germline.

Blueprint Genetics
Classification: Uncertain significance. Last evaluated: 2024-10-28. Review status: criteria provided, single submitter. Criteria: ACMG Guidelines, 2015. Collection method: clinical testing. Allele origin: germline.

Illumina Laboratory Services, Illumina
Classification: Uncertain significance for Usher syndrome type 2C. Last evaluated: 2018-01-13. Review status: criteria provided, single submitter. Criteria: ICSL Variant Classification Criteria 13 December 2019. Collection method: clinical testing. Allele origin: germline.

NM_032119.4(ADGRV1):c.15497C>T (p.Thr5166Met)

Gene: ADGRV1 (adhesion G protein-coupled receptor V1; plus strand). Cytogenetic location: 5q14.3.
Variant type: single nucleotide variant.
Coding change: c.15497C>T on transcript NM_032119.4 (MANE Select); coding-DNA position 15497, C replaced by T.
Protein change: p.Thr5166Met; replaces threonine 5166 with methionine.
Molecular consequence: missense variant. On other transcripts: non-coding transcript variant (1).
Genome position (GRCh38, 1-based): chr5:90,810,757, C>T. VCF-style: chr5-90810757-C-T. GRCh37 (hg19) VCF-style: chr5-90106574-C-T.
Other names: short protein forms T5166M.
Identifiers: ClinVar variation 905037 (VCV000905037.15), dbSNP rs375860783, ClinGen allele CA3341931.